The following is an entry in ClinVar:

ClinVar aggregate classification (germline): Benign/Likely benign. Review status: criteria provided, multiple submitters, no conflicts (2 of 4 stars). 3 submissions from 3 submitters: Benign (1); Likely benign (1). 1 of the submissions does not count toward it. Last evaluated 2024-10-25.

Conditions:
DDX54-related disorder. Also called: DDX54-related condition.

Allele frequency attached by ClinVar (database versions not stated): gnomAD exomes 0.00157; ExAC 0.00185; gnomAD 0.00532 and 0.00564; ESP Exome Variant Server 0.00561; 1000 Genomes Project 30x 0.00593; 1000 Genomes Project 0.00619; TOPMed 0.00644.
gnomAD v4.1: 1,698 of 1,613,964 alleles (0.11%); highest among the groups gnomAD compares: African/African-American, 1.9%; 12 homozygotes.

Submissions (3):

Blueprint Genetics
Classification: Likely benign. Last evaluated: 2024-10-25. Review status: criteria provided, single submitter. Criteria: ACMG Guidelines, 2015. Collection method: clinical testing. Allele origin: germline.

Labcorp Genetics (formerly Invitae), Labcorp
Classification: Benign. Last evaluated: 2017-05-30. Review status: criteria provided, single submitter. Criteria: Invitae Variant Classification Sherloc (09022015). Collection method: clinical testing. Allele origin: germline.

PreventionGenetics, part of Exact Sciences
Classification: Benign for DDX54-related condition. Last evaluated: 2019-11-25. Review status: no assertion criteria provided. Collection method: clinical testing. Allele origin: germline. Not counted in ClinVar's aggregate classification.
Comment: This variant is classified as benign based on ACMG/AMP sequence variant interpretation guidelines (Richards et al. 2015 PMID: 25741868, with internal and published modifications).

NM_024072.4(DDX54):c.937-5C>T

Gene: DDX54 (DEAD-box helicase 54; minus strand). Cytogenetic location: 12q24.13.
Variant type: single nucleotide variant.
Coding change: c.937-5C>T on transcript NM_024072.4 (MANE Select); 5 bases into the intron before coding-DNA position 937, C replaced by T.
Molecular consequence: intron variant.
Genome position (GRCh38, 1-based): chr12:113,174,776, G>A on the plus strand (C>T on the coding strand, the complement: DDX54 is on the minus strand). VCF-style: chr12-113174776-G-A. GRCh37 (hg19) VCF-style: chr12-113612581-G-A.
Other names: c.937-5C>T (NM_001111322.2).
Identifiers: ClinVar variation 778662 (VCV000778662.6), dbSNP rs112844454, ClinGen allele CA6803792.
Genomic context (GRCh38, chr12:113,174,776, plus strand): 5'-AGCAGGTGGAGCAGCACGGCAGCCTTGGTGTCCTCCCGCACGAGGAAGAAGGAGGTCTGT[G>A]GGGAGAGGGCATCACGTGTTGGCTTACGGGGTCCTGGCCCAGGGCCTGCAGGGCCCACCT-3'